The following is an entry in ClinVar:

NM_001042492.3(NF1):c.1651del (p.Val551fs)

Gene: NF1 (neurofibromin 1; plus strand). Cytogenetic location: 17q11.2.
Variant type: Deletion.
Coding change: c.1651del on transcript NM_001042492.3 (MANE Select); coding-DNA position 1651, one base deleted (G; older notation c.1651delG).
Protein change: p.Val551fs; shifts the reading frame from valine 551.
Molecular consequence: frameshift variant.
Genome position (GRCh38, 1-based): chr17:31,221,859, G deleted; the last of 2 consecutive G bases (chr17:31,221,858-31,221,859); deleting either gives the same sequence. VCF-style (leftmost placement, unchanged base first): chr17-31221857-TG-T. GRCh37 (hg19) VCF-style: chr17-29548875-TG-T.
Other names: c.1651delG (NM_000267.3); c.1651delG, p.Val551Phefs (NM_000267.4); c.1651del, p.Val551fs (NM_001128147.3); short protein forms V551fs.
Identifiers: ClinVar variation 3602911 (VCV003602911.2).
Genomic context (GRCh38, chr17:31,221,857, plus strand): 5'-AAAAATGTTTGAGTGAGTCTTCTCTTTGTCTTTCTCTTTTTTAAAAAATTCAGGCTCTGC[TG>T]GTTCTTCATCAGTTAGATAGCATTGATTTGTGGAATCCTGATGCTCCTGTAGAAACATTT-3'

ClinVar aggregate classification (germline): Pathogenic. Review status: criteria provided, multiple submitters, no conflicts (2 of 4 stars). 2 submissions from 2 submitters: Pathogenic (2). Last evaluated 2025-03-03.

Conditions:
Hereditary cancer-predisposing syndrome. Also called: Tumor predisposition; Hereditary neoplastic syndrome; Neoplastic Syndromes, Hereditary; Hereditary Cancer Syndrome. Identifiers: Orphanet 140162, MedGen C0027672, MeSH D009386, MONDO:0015356.
Cardiovascular phenotype. Identifiers: MedGen CN230736.

Submissions (2):

Ambry Genetics
Classification: Pathogenic for Cardiovascular phenotype; Hereditary cancer-predisposing syndrome. Last evaluated: 2025-03-03. Review status: criteria provided, single submitter. Criteria: Ambry Variant Classification Scheme 2023. Collection method: clinical testing. Allele origin: germline.
Comment: The c.1651delG pathogenic mutation, located in coding exon 15 of the NF1 gene, results from a deletion of one nucleotide at nucleotide position 1651, causing a translational frameshift with a predicted alternate stop codon (p.V551Ffs*5). This variant was reported in individual(s) with features consistent with NF1 (Sabbagh A et al. Hum Mutat, 2013 Nov;34:1510-8). This variant is considered to be rare based on population cohorts in the Genome Aggregation Database (gnomAD). This alteration is expected to result in loss of function by premature protein truncation or nonsense-mediated mRNA decay. As such, this alteration is interpreted as a disease-causing mutation.

GeneDx
Classification: Pathogenic. Last evaluated: 2024-08-06. Review status: criteria provided, single submitter. Criteria: GeneDx Variant Classification Process June 2021. Collection method: clinical testing. Allele origin: germline. Affected: yes.
Comment: Not observed at significant frequency in large population cohorts (gnomAD); Frameshift variant predicted to result in protein truncation or nonsense mediated decay in a gene for which loss of function is a known mechanism of disease; This variant is associated with the following publications: (PMID: 23913538)

Literature cited by the submitters: PubMed 23913538 (cited by Ambry Genetics).